The following is an entry in ClinVar:

NM_138615.3(DHX30):c.3298C>T (p.Leu1100=)

Gene: DHX30 (DExH-box helicase 30; plus strand). Cytogenetic location: 3p21.31.
Variant type: single nucleotide variant.
Coding change: c.3298C>T on transcript NM_138615.3 (MANE Select); coding-DNA position 3298, C replaced by T.
Protein change: p.Leu1100=; no amino-acid change (leucine 1100 retained).
Molecular consequence: synonymous variant.
Genome position (GRCh38, 1-based): chr3:47,849,736, C>T. VCF-style: chr3-47849736-C-T. GRCh37 (hg19) VCF-style: chr3-47891226-C-T.
Other names: c.3214C>T, p.Leu1072= (NM_001330990.2); c.3181C>T, p.Leu1061= (NM_014966.4).
Identifiers: ClinVar variation 2653782 (VCV002653782.25), dbSNP rs140367826, ClinGen allele CA2370356.

ClinVar aggregate classification (germline): Likely benign. Review status: criteria provided, multiple submitters, no conflicts (2 of 4 stars). 2 submissions from 2 submitters: Likely benign (2). Last evaluated 2026-06-01.

Allele frequency attached by ClinVar (database versions not stated): gnomAD exomes 0.00044; ExAC 0.00094; gnomAD 0.00250; TOPMed 0.00301; 1000 Genomes Project 30x 0.00328; ESP Exome Variant Server 0.00331; 1000 Genomes Project 0.00339.
gnomAD v4.1: 1,070 of 1,613,910 alleles (0.066%); highest among the groups gnomAD compares: African/African-American, 0.88%; 4 homozygotes.

Submissions (2):

CeGaT Center for Human Genetics Tuebingen
Classification: Likely benign. Last evaluated: 2026-06-01. Review status: criteria provided, single submitter. Criteria: CeGaT Center For Human Genetics Tuebingen Variant Classification Criteria Version 2. Collection method: clinical testing. Allele origin: germline. Affected: yes. Observed: 7 variant alleles.
Comment: DHX30: BP4, BP7, BS1

Blueprint Genetics
Classification: Likely benign. Last evaluated: 2024-11-13. Review status: criteria provided, single submitter. Criteria: ACMG Guidelines, 2015. Collection method: clinical testing. Allele origin: germline.